The following is an entry in ClinVar:

ClinVar aggregate classification (germline): Uncertain significance (1 of 4 stars; one submission).

Conditions:
Hereditary pancreatitis (PCTT). Also called: Hereditary chronic pancreatitis; PRSS1-Related Hereditary Pancreatitis. Identifiers: Orphanet 676, MedGen C0238339, MONDO:0008185, OMIM 167800.

Allele frequency attached by ClinVar (database versions not stated): TOPMed below 0.00001.

Submission:

Ambry Genetics
Classification: Uncertain significance for Hereditary pancreatitis. Last evaluated: 2022-02-12. Review status: criteria provided, single submitter. Criteria: Ambry Variant Classification Scheme 2023. Collection method: clinical testing. Allele origin: germline.
Comment: The p.L415M variant (also known as c.1243C>A), located in coding exon 10 of the CPA1 gene, results from a C to A substitution at nucleotide position 1243. The leucine at codon 415 is replaced by methionine, an amino acid with highly similar properties. This amino acid position is conserved. In addition, this alteration is predicted to be tolerated by in silico analysis. Since supporting evidence is limited at this time, the clinical significance of this alteration remains unclear.

NM_001868.4(CPA1):c.1243C>A (p.Leu415Met)

Gene: CPA1 (carboxypeptidase A1; plus strand). Cytogenetic location: 7q32.2.
Variant type: single nucleotide variant.
Coding change: c.1243C>A on transcript NM_001868.4 (MANE Select); coding-DNA position 1243, C replaced by A.
Protein change: p.Leu415Met; replaces leucine 415 with methionine.
Molecular consequence: missense variant.
Genome position (GRCh38, 1-based): chr7:130,387,994, C>A. VCF-style: chr7-130387994-C-A. GRCh37 (hg19) VCF-style: chr7-130027835-C-A.
Other names: short protein forms L415M.
Identifiers: ClinVar variation 1758828 (VCV001758828.2), dbSNP rs1796502758, ClinGen allele CA369284640.